The following is an entry in ClinVar:

ClinVar aggregate classification (germline): Uncertain significance (1 of 4 stars; one submission).

Submission:

GeneDx
Classification: Uncertain significance. Last evaluated: 2026-03-23. Review status: criteria provided, single submitter. Criteria: GeneDx Variant Classification Process June 2021. Collection method: clinical testing. Allele origin: germline.
Comment: Not observed at significant frequency in large population cohorts (gnomAD); In silico analysis supports that this missense variant has a deleterious effect on protein structure/function; Has not been previously published as pathogenic or benign to our knowledge

NM_021224.6(ZNF462):c.5533C>T (p.Pro1845Ser)

Gene: ZNF462 (zinc finger protein 462; plus strand). Cytogenetic location: 9q31.2.
Variant type: single nucleotide variant.
Coding change: c.5533C>T on transcript NM_021224.6 (MANE Select); coding-DNA position 5533, C replaced by T.
Protein change: p.Pro1845Ser; replaces proline 1845 with serine.
Molecular consequence: missense variant. On other transcripts: intron variant (1).
Genome position (GRCh38, 1-based): chr9:106,929,445, C>T. VCF-style: chr9-106929445-C-T. GRCh37 (hg19) VCF-style: chr9-109691726-C-T.
Other names: c.3253-1080C>T (NM_001347997.2); short protein forms P1845S.
Identifiers: ClinVar variation 5017251 (VCV005017251.1).